The following is an entry in ClinVar:

NM_014956.5(CEP164):c.765+8C>T

Gene: CEP164 (centrosomal protein 164; plus strand). Cytogenetic location: 11q23.3.
Variant type: single nucleotide variant.
Coding change: c.765+8C>T on transcript NM_014956.5 (MANE Select); 8 bases into the intron after coding-DNA position 765, C replaced by T.
Molecular consequence: intron variant.
Genome position (GRCh38, 1-based): chr11:117,363,514, C>T. VCF-style: chr11-117363514-C-T. GRCh37 (hg19) VCF-style: chr11-117234230-C-T.
Other names: c.765+8C>T (NM_001271933.2, NM_014956.4).
Identifiers: ClinVar variation 1155139 (VCV001155139.12), dbSNP rs2041253275, ClinGen allele CA2003010975.

ClinVar aggregate classification (germline): Likely benign. Review status: criteria provided, multiple submitters, no conflicts (2 of 4 stars). 3 submissions from 3 submitters: Likely benign (3). Last evaluated 2025-10-27.

Conditions:
Nephronophthisis 15 (NPHP15). Identifiers: Orphanet 3156, MedGen C3541853, MONDO:0013917, OMIM 614845.
CEP164-related disorder. Also called: CEP164-related condition.

Allele frequency attached by ClinVar (database versions not stated): TOPMed below 0.00001.

Submissions (3):

PreventionGenetics, part of Exact Sciences
Classification: Likely benign for CEP164-related condition. Last evaluated: 2025-10-27. Review status: criteria provided, single submitter. Criteria: ACMG Guidelines, 2015. Collection method: clinical testing. Allele origin: germline.
Comment: This variant is classified as likely benign based on ACMG/AMP sequence variant interpretation guidelines (Richards et al. 2015 PMID: 25741868, with internal and published modifications).

Labcorp Genetics (formerly Invitae), Labcorp
Classification: Likely benign for Nephronophthisis 15. Last evaluated: 2024-11-18. Review status: criteria provided, single submitter. Criteria: Invitae Variant Classification Sherloc (09022015). Collection method: clinical testing. Allele origin: germline.

Fulgent Genetics
Classification: Likely benign for Nephronophthisis 15. Last evaluated: 2021-10-31. Review status: criteria provided, single submitter. Criteria: ACMG Guidelines, 2015. Collection method: clinical testing. Allele origin: unknown.